The following is an entry in ClinVar:

NM_078470.6(COX15):c.*1096G>T

Gene: COX15 (cytochrome c oxidase assembly factor COX15; minus strand). Cytogenetic location: 10q24.2.
Variant type: single nucleotide variant.
Coding change: c.*1096G>T on transcript NM_078470.6 (MANE Select); 1096 bases downstream of the stop codon, G replaced by T.
Molecular consequence: 3 prime UTR variant. On other transcripts: non-coding transcript variant (1), intron variant (2).
Genome position (GRCh38, 1-based): chr10:99,713,491, C>A on the plus strand (G>T on the coding strand, the complement: COX15 is on the minus strand). VCF-style: chr10-99713491-C-A. GRCh37 (hg19) VCF-style: chr10-101473248-C-A.
Other names: c.*1277G>T (NM_001320975.2); c.*1096G>T (NM_001320976.2, NM_001372025.1, NM_001372026.1); c.*315G>T (NM_001372024.1); c.*1200G>T (NM_001372027.1); c.*523G>T (NM_001372028.1); c.1101+2857G>T (NM_001320974.2); c.1102-12G>T (NM_004376.7).
Identifiers: ClinVar variation 1914334 (VCV001914334.5), dbSNP rs879273942, ClinGen allele CA2580082549.

ClinVar aggregate classification (germline): Uncertain significance (1 of 4 stars; one submission).

Submission:

Labcorp Genetics (formerly Invitae), Labcorp
Classification: Uncertain significance. Last evaluated: 2022-05-03. Review status: criteria provided, single submitter. Criteria: Invitae Variant Classification Sherloc (09022015). Collection method: clinical testing. Allele origin: germline.
Comment: This sequence change falls in intron 8 of the COX15 gene. It does not directly change the encoded amino acid sequence of the COX15 protein. This variant is not present in population databases (gnomAD no frequency). This variant has not been reported in the literature in individuals affected with COX15-related conditions. Algorithms developed to predict the effect of sequence changes on RNA splicing suggest that this variant may create or strengthen a splice site. In summary, the available evidence is currently insufficient to determine the role of this variant in disease. Therefore, it has been classified as a Variant of Uncertain Significance.